The following is an entry in ClinVar:

ClinVar aggregate classification (germline): Uncertain significance. Review status: criteria provided, multiple submitters, no conflicts (2 of 4 stars). 4 submissions from 4 submitters: Uncertain significance (4). Last evaluated 2024-08-23.

Conditions:
Inborn genetic diseases. Identifiers: MedGen C0950123, MeSH D030342.
Malignant hyperthermia, susceptibility to, 1 (MHS1). Also called: RYR1-Related Malignant Hyperthermia Susceptibility; Anesthesia related hyperthermia; Malignant hyperpyrexia; Fulminating hyperpyrexia; Pharmacogenic myopathy; Malignant hyperthermia suceptibility 1. Identifiers: Orphanet 423, MedGen C2930980, MONDO:0007783, OMIM 145600.
RYR1-related disorder. Also called: RYR1-related condition; RYR1-related disorders. Identifiers: MedGen CN239331.

Allele frequency attached by ClinVar (database versions not stated): gnomAD exomes below 0.00001.
gnomAD v4.1: 3 of 1,613,144 alleles (0.00019%); highest among the groups gnomAD compares: Non-Finnish European, 0.00025%; no homozygotes.

Submissions (4):

All of Us Research Program, National Institutes of Health
Classification: Uncertain significance for Malignant hyperthermia, susceptibility to, 1. Last evaluated: 2024-08-23. Review status: criteria provided, single submitter. Criteria: ACMG Guidelines, 2015. Collection method: clinical testing. Allele origin: germline. Inheritance: Autosomal dominant inheritance. Observed: 3 variant alleles, 3 heterozygotes.
Comment: This missense variant replaces glycine with serine at codon 1822 of the RYR1 protein. Computational prediction suggests that this variant may not impact protein structure and function (internally defined REVEL score threshold <= 0.5, PMID: 27666373). To our knowledge, functional studies have not been reported for this variant. This variant has not been reported in individuals affected with RYR1-related disorders in the literature. This variant has been identified in 1/240130 chromosomes in the general population by the Genome Aggregation Database (gnomAD). The available evidence is insufficient to determine the role of this variant in disease conclusively. Therefore, this variant is classified as a Variant of Uncertain Significance.

This study involves interpretation of variants in research participants for the purpose of population health screening. Participant phenotype was not available at the time of variant classification. Additional details can be found in publication PMID: 35346344, PMCID: PMC8962531

Color Diagnostics, LLC DBA Color Health
Classification: Uncertain significance for Malignant hyperthermia, susceptibility to, 1. Last evaluated: 2024-07-02. Review status: criteria provided, single submitter. Criteria: ACMG Guidelines, 2015. Collection method: clinical testing. Allele origin: germline.
Comment: This missense variant replaces glycine with serine at codon 1822 of the RYR1 protein. Computational prediction suggests that this variant may not impact protein structure and function (internally defined REVEL score threshold <= 0.5, PMID: 27666373). To our knowledge, functional studies have not been reported for this variant. This variant has not been reported in individuals affected with RYR1-related disorders in the literature. This variant has been identified in 1/240130 chromosomes in the general population by the Genome Aggregation Database (gnomAD). The available evidence is insufficient to determine the role of this variant in disease conclusively. Therefore, this variant is classified as a Variant of Uncertain Significance.

Ambry Genetics
Classification: Uncertain significance for Inborn genetic diseases. Last evaluated: 2024-01-16. Review status: criteria provided, single submitter. Criteria: Ambry Variant Classification Scheme 2023. Collection method: clinical testing. Allele origin: germline.

Labcorp Genetics (formerly Invitae), Labcorp
Classification: Uncertain significance for RYR1-related disorder. Last evaluated: 2021-08-27. Review status: criteria provided, single submitter. Criteria: Invitae Variant Classification Sherloc (09022015). Collection method: clinical testing. Allele origin: germline.
Comment: This sequence change replaces glycine with serine at codon 1822 of the RYR1 protein (p.Gly1822Ser). The glycine residue is highly conserved and there is a small physicochemical difference between glycine and serine. This variant is not present in population databases (ExAC no frequency). This variant has not been reported in the literature in individuals affected with RYR1-related conditions. Algorithms developed to predict the effect of missense changes on protein structure and function are either unavailable or do not agree on the potential impact of this missense change (SIFT: "Deleterious"; PolyPhen-2: "Probably Damaging"; Align-GVGD: "Class C0"). In summary, the available evidence is currently insufficient to determine the role of this variant in disease. Therefore, it has been classified as a Variant of Uncertain Significance.

NM_000540.3(RYR1):c.5464G>A (p.Gly1822Ser)

Gene: RYR1 (ryanodine receptor 1; plus strand). Cytogenetic location: 19q13.2.
Variant type: single nucleotide variant.
Coding change: c.5464G>A on transcript NM_000540.3 (MANE Select); coding-DNA position 5464, G replaced by A.
Protein change: p.Gly1822Ser; replaces glycine 1822 with serine.
Molecular consequence: missense variant.
Genome position (GRCh38, 1-based): chr19:38,486,119, G>A. VCF-style: chr19-38486119-G-A. GRCh37 (hg19) VCF-style: chr19-38976759-G-A.
Other names: c.5464G>A, p.Gly1822Ser (NM_001042723.2); short protein forms G1822S.
Identifiers: ClinVar variation 544450 (VCV000544450.9), dbSNP rs1169294876, ClinGen allele CA081793.